The following is an entry in ClinVar:

NM_001349253.2(SCN11A):c.4978G>A (p.Ala1660Thr)

Gene: SCN11A (sodium voltage-gated channel alpha subunit 11; minus strand). Cytogenetic location: 3p22.2.
Variant type: single nucleotide variant.
Coding change: c.4978G>A on transcript NM_001349253.2 (MANE Select); coding-DNA position 4978, G replaced by A.
Protein change: p.Ala1660Thr; replaces alanine 1660 with threonine.
Molecular consequence: missense variant.
Genome position (GRCh38, 1-based): chr3:38,847,092, C>T on the plus strand (G>A on the coding strand, the complement: SCN11A is on the minus strand). VCF-style: chr3-38847092-C-T. GRCh37 (hg19) VCF-style: chr3-38888583-C-T.
Other names: c.4978G>A, p.Ala1660Thr (NM_014139.3); short protein forms A1660T.
Identifiers: ClinVar variation 1014224 (VCV001014224.7), dbSNP rs564668486, ClinGen allele CA2321426.

ClinVar aggregate classification (germline): Conflicting classifications of pathogenicity. Review status: criteria provided, conflicting classifications (1 of 4 stars). 2 submissions from 2 submitters: Uncertain significance (1); Likely benign (1). Last evaluated 2024-02-12.

Conditions:
Hereditary sensory and autonomic neuropathy type 7. Also called: Neuropathy, hereditary sensory and autonomic, type VII; HSAN VII. Identifiers: Orphanet 391397, MedGen C3809882, MONDO:0014244, OMIM 615548.
Familial episodic pain syndrome with predominantly lower limb involvement. Also called: Episodic pain syndrome, familial, 3. Identifiers: Orphanet 391384, Orphanet 391392, MedGen C3809899, MONDO:0014247, OMIM 615552.
Inborn genetic diseases. Identifiers: MedGen C0950123, MeSH D030342.

Allele frequency attached by ClinVar (database versions not stated): gnomAD 0.00001 and 0.00003; ExAC 0.00002; gnomAD exomes 0.00003; TOPMed 0.00005; 1000 Genomes Project 30x 0.00016; 1000 Genomes Project 0.00020.
gnomAD v4.1: 44 of 1,614,060 alleles (0.0027%); highest among the groups gnomAD compares: Admixed American, 0.0067%; no homozygotes.

Submissions (2):

Labcorp Genetics (formerly Invitae), Labcorp
Classification: Uncertain significance for Familial episodic pain syndrome with predominantly lower limb involvement; Hereditary sensory and autonomic neuropathy type 7. Last evaluated: 2024-02-12. Review status: criteria provided, single submitter. Criteria: Invitae Variant Classification Sherloc (09022015). Collection method: clinical testing. Allele origin: germline.
Comment: This sequence change replaces alanine, which is neutral and non-polar, with threonine, which is neutral and polar, at codon 1660 of the SCN11A protein (p.Ala1660Thr). This variant is present in population databases (rs564668486, gnomAD 0.009%). This variant has not been reported in the literature in individuals affected with SCN11A-related conditions. ClinVar contains an entry for this variant (Variation ID: 1014224). Advanced modeling of protein sequence and biophysical properties (such as structural, functional, and spatial information, amino acid conservation, physicochemical variation, residue mobility, and thermodynamic stability) performed at Invitae indicates that this missense variant is expected to disrupt SCN11A protein function with a positive predictive value of 80%. In summary, the available evidence is currently insufficient to determine the role of this variant in disease. Therefore, it has been classified as a Variant of Uncertain Significance.

Ambry Genetics
Classification: Likely benign for Inborn genetic diseases. Last evaluated: 2021-01-11. Review status: criteria provided, single submitter. Criteria: Ambry Variant Classification Scheme 2023. Collection method: clinical testing. Allele origin: germline.